The following is an entry in ClinVar:

ClinVar aggregate classification (germline): Uncertain significance (1 of 4 stars; one submission).

Conditions:
Arrhythmogenic cardiomyopathy with wooly hair and keratoderma. Also called: PALMOPLANTAR KERATODERMA WITH LEFT VENTRICULAR CARDIOMYOPATHY AND WOOLLY HAIR; Carvajal syndrome; Dilated cardiomyopathy with woolly hair and keratoderma; Arrhythmogenic cardiomyopathy with woolly hair and keratoderma. Identifiers: Orphanet 65282, MedGen C1854063, MONDO:0011581, OMIM 605676.

Submission:

All of Us Research Program, National Institutes of Health
Classification: Uncertain significance for Arrhythmogenic cardiomyopathy with wooly hair and keratoderma. Last evaluated: 2023-05-15. Review status: criteria provided, single submitter. Criteria: ACMG Guidelines, 2015. Collection method: clinical testing. Allele origin: germline. Inheritance: Autosomal dominant inheritance. Observed: 1 variant allele, 1 heterozygote.
Comment: This missense variant replaces asparagine with aspartic acid at codon 1614 of the DSP protein. Computational prediction suggests that this variant may not impact protein structure and function (internally defined REVEL score threshold <= 0.5, PMID: 27666373). To our knowledge, functional studies have not been reported for this variant. This variant has not been reported in individuals affected with DSP-related disorders in the literature. This variant has not been identified in the general population by the Genome Aggregation Database (gnomAD). The available evidence is insufficient to determine the role of this variant in disease conclusively. Therefore, this variant is classified as a Variant of Uncertain Significance.

This study involves interpretation of variants in research participants for the purpose of population health screening. Participant phenotype was not available at the time of variant classification. Additional details can be found in publication PMID: 35346344, PMCID: PMC8962531

NM_004415.4(DSP):c.4840A>G (p.Asn1614Asp)

Gene: DSP (desmoplakin; plus strand). Cytogenetic location: 6p24.3.
Variant type: single nucleotide variant.
Coding change: c.4840A>G on transcript NM_004415.4 (MANE Select); coding-DNA position 4840, A replaced by G.
Protein change: p.Asn1614Asp; replaces asparagine 1614 with aspartic acid.
Molecular consequence: missense variant. On other transcripts: intron variant (2).
Genome position (GRCh38, 1-based): chr6:7,581,030, A>G. VCF-style: chr6-7581030-A-G. GRCh37 (hg19) VCF-style: chr6-7581263-A-G.
Other names: c.4050+790A>G (NM_001319034.2); c.3582+1258A>G (NM_001008844.3); short protein forms N1614D.
Identifiers: ClinVar variation 3070971 (VCV003070971.1), dbSNP rs2533930520, ClinGen allele CA362687272.
Genomic context (GRCh38, chr6:7,581,030, plus strand): 5'-CTGGAGGAAGAGCTGGAAGGCATGAGGAGGTCGCTGAAGGAGCAAGCCATCAAAATCACC[A>G]ACCTGACCCAGCAGCTGGAGCAGGCATCCATTGTTAAGAAGAGGAGTGAGGATGACCTCC-3'
Protein context (NP_004406.2, residues 1604-1624): SLKEQAIKIT[Asn1614Asp]LTQQLEQASI